The following is an entry in ClinVar:

ClinVar aggregate classification (germline): Likely benign. Review status: criteria provided, multiple submitters, no conflicts (2 of 4 stars). 2 submissions from 2 submitters: Likely benign (2). Last evaluated 2024-06-19.

Submissions (2):

Women's Health and Genetics/Laboratory Corporation of America, LabCorp
Classification: Likely benign. Last evaluated: 2024-06-19. Review status: criteria provided, single submitter. Criteria: LabCorp Variant Classification Summary - May 2015. Collection method: clinical testing. Allele origin: germline.
Comment: Variant summary: GABRB1 c.172+20C>A alters a conserved nucleotide located at a position not widely known to affect splicing. Consensus agreement among computation tools predict no significant impact on normal splicing. However, these predictions have yet to be confirmed by functional studies. The variant was absent in 251422 control chromosomes. The available data on variant occurrences in the general population are insufficient to allow any conclusion about variant significance. To our knowledge, no occurrence of c.172+20C>A in individuals affected with Developmental And Epileptic Encephalopathy, 45 and no experimental evidence demonstrating its impact on protein function have been reported. ClinVar contains an entry for this variant (Variation ID: 2100423). Based on the evidence outlined above, the variant was classified as likely benign.

Labcorp Genetics (formerly Invitae), Labcorp
Classification: Likely benign. Last evaluated: 2022-07-01. Review status: criteria provided, single submitter. Criteria: Invitae Variant Classification Sherloc (09022015). Collection method: clinical testing. Allele origin: germline.

NM_000812.4(GABRB1):c.172+20C>A

Gene: GABRB1 (gamma-aminobutyric acid type A receptor subunit beta1; plus strand). Cytogenetic location: 4p12.
Variant type: single nucleotide variant.
Coding change: c.172+20C>A on transcript NM_000812.4 (MANE Select); 20 bases into the intron after coding-DNA position 172, C replaced by A.
Molecular consequence: intron variant.
Genome position (GRCh38, 1-based): chr4:47,032,025, C>A. VCF-style: chr4-47032025-C-A. GRCh37 (hg19) VCF-style: chr4-47034042-C-A.
Identifiers: ClinVar variation 2100423 (VCV002100423.5), dbSNP rs2475083983, ClinGen allele CA2580071052.